The following is an entry in ClinVar:

ClinVar aggregate classification (germline): Likely benign. Review status: reviewed by expert panel (3 of 4 stars). 3 submissions from 3 submitters: Likely benign (1). 2 of the submissions do not count toward it. Last evaluated 2017-06-29.

Conditions:
Hereditary cancer-predisposing syndrome. Also called: Hereditary Cancer Syndrome; Tumor predisposition; Hereditary neoplastic syndrome; Neoplastic Syndromes, Hereditary. Identifiers: Orphanet 140162, MedGen C0027672, MeSH D009386, MONDO:0015356.
Breast-ovarian cancer, familial, susceptibility to, 2 (BROVCA2). Also called: BRCA2 Hereditary Breast and Ovarian Cancer. Identifiers: Orphanet 145, MedGen C2675520, MONDO:0012933, OMIM 612555. Disease mechanism: loss of function.
Hereditary breast ovarian cancer syndrome. Also called: Hereditary breast and ovarian cancer syndrome; Hereditary breast and/or ovarian cancer syndrome; Hereditary breast and ovarian cancer syndrome (HBOC); Hereditary breast and ovarian cancer; Breast and ovarian cancer; BRCA1- and BRCA2-Associated Hereditary Breast and Ovarian Cancer. Identifiers: Orphanet 145, MedGen C0677776, MeSH D061325, MONDO:0003582. Disease mechanism: loss of function.

Allele frequency attached by ClinVar (database versions not stated): gnomAD exomes below 0.00001; ExAC 0.00001; 1000 Genomes Project 30x 0.00031; gnomAD 0.00001.
gnomAD v4.1: 2 of 1,613,590 alleles (0.00012%); highest among the groups gnomAD compares: South Asian, 0.0022%; no homozygotes.

Submissions (3):

Evidence-based Network for the Interpretation of Germline Mutant Alleles (ENIGMA)
Classification: Likely benign for Breast-ovarian cancer, familial, susceptibility to, 2. Last evaluated: 2017-06-29. Review status: reviewed by expert panel. Criteria: ENIGMA BRCA1/2 Classification Criteria (2017-06-29). Collection method: curation. Allele origin: germline.
Comment: Synonymous substitution variant, with low bioinformatic likelihood to result in a splicing aberration (Splicing prior probability 0.02).

Ambry Genetics
Classification: Likely benign for Hereditary cancer-predisposing syndrome. Last evaluated: 2026-04-19. Review status: criteria provided, single submitter. Criteria: Ambry Variant Classification Scheme 2023. Collection method: clinical testing. Allele origin: germline. Not counted in ClinVar's aggregate classification.

Labcorp Genetics (formerly Invitae), Labcorp
Classification: Likely benign for Hereditary breast ovarian cancer syndrome. Last evaluated: 2025-12-27. Review status: criteria provided, single submitter. Criteria: Invitae Variant Classification Sherloc (09022015). Collection method: clinical testing. Allele origin: germline. Not counted in ClinVar's aggregate classification.

NM_000059.4(BRCA2):c.4839T>G (p.Pro1613=)

Gene: BRCA2 (BRCA2 DNA repair associated; plus strand). Cytogenetic location: 13q13.1.
Variant type: single nucleotide variant.
Coding change: c.4839T>G on transcript NM_000059.4 (MANE Select); coding-DNA position 4839, T replaced by G.
Protein change: p.Pro1613=; no amino-acid change (proline 1613 retained).
Molecular consequence: synonymous variant.
Genome position (GRCh38, 1-based): chr13:32,339,194, T>G. VCF-style: chr13-32339194-T-G. GRCh37 (hg19) VCF-style: chr13-32913331-T-G.
Identifiers: ClinVar variation 427461 (VCV000427461.5), dbSNP rs752311184, ClinGen allele CA6940821.